The following is an entry in ClinVar:

NM_000451.4(SHOX):c.870G>A (p.Leu290=)

Gene: SHOX (SHOX homeobox; plus strand). Cytogenetic location: Yp11.2.
Variant type: single nucleotide variant.
Coding change: c.870G>A on transcript NM_000451.4 (MANE Select); coding-DNA position 870, G replaced by A.
Protein change: p.Leu290=; no amino-acid change (leucine 290 retained).
Molecular consequence: synonymous variant. On other transcripts: intron variant (1).
Genome position (GRCh38, 1-based): chrX:644,627, G>A. VCF-style: chrX-644627-G-A. GRCh37 (hg19) VCF-style: chrX-605362-G-A.
Other names: c.633+3540G>A (NM_006883.2).
Identifiers: ClinVar variation 198085 (VCV000198085.28), dbSNP rs746391025, ClinGen allele CA246577.
Genomic context (GRCh38, chrX:644,627, plus strand): 5'-CAGCAAGAATTCCAGCATCGCCGACCTGCGGCTCAAGGCGCGGAAGCACGCGGAGGCCCT[G>A]GGGCTCTGACCCGCCGCGCAGCCCCCCGCGCGCCCGGACTCCCGGGCTCCGCGCACCCCG-3'
Protein context (NP_000442.1, residues 280-292): RLKARKHAEA[Leu290=]GL

ClinVar aggregate classification (germline): Benign/Likely benign. Review status: criteria provided, multiple submitters, no conflicts (2 of 4 stars). 8 submissions from 8 submitters: Benign (5); Likely benign (3). Last evaluated 2025-02-12.

Conditions:
Connective tissue disorder. Also called: Connective tissue disease. Identifiers: MedGen C0009782, MONDO:0003900.

Allele frequency attached by ClinVar (database versions not stated): gnomAD exomes 0.00143 and 0.00275; ExAC 0.00289; 1000 Genomes Project 0.00795; gnomAD 0.00995 and 0.01047; 1000 Genomes Project 30x 0.00999; TOPMed 0.01170.
gnomAD v4.1: 3,603 of 1,496,816 alleles (0.24%); highest among the groups gnomAD compares: African/African-American, 3.3%; 46 homozygotes.

Submissions (8):

ARUP Laboratories, Molecular Genetics and Genomics, ARUP Laboratories
Classification: Benign. Last evaluated: 2025-02-12. Review status: criteria provided, single submitter. Criteria: ARUP Molecular Germline Variant Investigation Process 2024. Collection method: clinical testing. Allele origin: germline.

Women's Health and Genetics/Laboratory Corporation of America, LabCorp
Classification: Benign. Last evaluated: 2024-12-06. Review status: criteria provided, single submitter. Criteria: LabCorp Variant Classification Summary - May 2015. Collection method: clinical testing. Allele origin: germline.

Athena Diagnostics
Classification: Benign. Last evaluated: 2024-12-04. Review status: criteria provided, single submitter. Criteria: Athena Diagnostics Criteria. Collection method: clinical testing. Allele origin: unknown.
Comment: The frequency of this variant in the general population is higher than would generally be expected for pathogenic variants in this gene.

Blueprint Genetics
Classification: Likely benign. Last evaluated: 2024-10-18. Review status: criteria provided, single submitter. Criteria: ACMG Guidelines, 2015. Collection method: clinical testing. Allele origin: germline.

Genome Diagnostics Laboratory, The Hospital for Sick Children
Classification: Benign for Connective tissue disorder. Last evaluated: 2021-12-06. Review status: criteria provided, single submitter. Criteria: ACMG Guidelines, 2015. Collection method: clinical testing. Allele origin: germline.

Eurofins Ntd Llc (ga)
Classification: Likely benign. Last evaluated: 2016-04-14. Review status: criteria provided, single submitter. Criteria: EGL Classification Definitions 2015. Collection method: clinical testing. Allele origin: germline. Observed: 3 variant alleles, 3 heterozygotes.

Breakthrough Genomics
Classification: Likely benign. Review status: criteria provided, single submitter. Criteria: ACMG Guidelines, 2015. Collection method: not provided. Allele origin: germline. Inheritance: Other. Affected: yes.

PreventionGenetics, part of Exact Sciences
Classification: Benign. Review status: criteria provided, single submitter. Criteria: ACMG Guidelines, 2015. Collection method: clinical testing. Allele origin: germline.

Literature cited by the submitters: PubMed 25659810 (cited by Athena Diagnostics).